The following is an entry in ClinVar:

ClinVar aggregate classification (germline): Likely pathogenic (1 of 4 stars; one submission).

Conditions:
Niemann-Pick disease, type C2 (NPC2). Identifiers: Orphanet 646, MedGen C1843366, MONDO:0011873, OMIM 607625.

Submission:

Myriad Genetics, Inc.
Classification: Likely pathogenic for Niemann-Pick disease, type C2. Last evaluated: 2019-12-21. Review status: criteria provided, single submitter. Criteria: Myriad Women's Health Autosomal Recessive and X-Linked Classification Criteria (2019). Collection method: clinical testing. Allele origin: unknown.
Comment: NM_006432.3(NPC2):c.297C>A(C99*) is expected to be pathogenic in the context of Niemann-Pick disease type C2. This variant is predicted to lead to an abnormal or absent protein product due to the creation of a premature termination codon in NPC2, a gene where loss-of-function variants are known to be pathogenic. Please note: this variant was assessed in the context of healthy population screening.

NM_006432.5(NPC2):c.297C>A (p.Cys99Ter)

Gene: NPC2 (NPC intracellular cholesterol transporter 2; minus strand). Cytogenetic location: 14q24.3.
Variant type: single nucleotide variant.
Coding change: c.297C>A on transcript NM_006432.5 (MANE Select); coding-DNA position 297, C replaced by A.
Protein change: p.Cys99Ter; replaces cysteine 99 with a stop codon.
Molecular consequence: nonsense.
Genome position (GRCh38, 1-based): chr14:74,484,481, G>T on the plus strand (C>A on the coding strand, the complement: NPC2 is on the minus strand). VCF-style: chr14-74484481-G-T. GRCh37 (hg19) VCF-style: chr14-74951184-G-T.
Other names: c.297C>A, p.Cys99Ter (NM_001363688.1, NM_001375440.1); short protein forms C99*.
Identifiers: ClinVar variation 983847 (VCV000983847.3), dbSNP rs2086687936, ClinGen allele CA390532385.